The following is an entry in ClinVar:

ClinVar aggregate classification (germline): Likely benign. Review status: criteria provided, single submitter (1 of 4 stars). 2 submissions from 2 submitters: Likely benign (1). 1 of the submissions does not count toward it. Last evaluated 2025-12-13.

Conditions:
CACNA1E-related disorder. Also called: CACNA1E-related condition.

Allele frequency attached by ClinVar (database versions not stated): gnomAD 0.00001 and 0.00002; gnomAD exomes 0.00002 and 0.00003.
gnomAD v4.1: 49 of 1,613,796 alleles (0.003%); highest among the groups gnomAD compares: Non-Finnish European, 0.0036%; no homozygotes.

Submissions (2):

Labcorp Genetics (formerly Invitae), Labcorp
Classification: Likely benign. Last evaluated: 2025-12-13. Review status: criteria provided, single submitter. Criteria: Invitae Variant Classification Sherloc (09022015). Collection method: clinical testing. Allele origin: germline.

PreventionGenetics, part of Exact Sciences
Classification: Likely benign for CACNA1E-related condition. Last evaluated: 2020-02-10. Review status: no assertion criteria provided. Collection method: clinical testing. Allele origin: germline. Not counted in ClinVar's aggregate classification.
Comment: This variant is classified as likely benign based on ACMG/AMP sequence variant interpretation guidelines (Richards et al. 2015 PMID: 25741868, with internal and published modifications).

NM_001205293.3(CACNA1E):c.4410C>T (p.Arg1470=)

Gene: CACNA1E (calcium voltage-gated channel subunit alpha1 E; plus strand). Cytogenetic location: 1q25.3.
Variant type: single nucleotide variant.
Coding change: c.4410C>T on transcript NM_001205293.3 (MANE Select); coding-DNA position 4410, C replaced by T.
Protein change: p.Arg1470=; no amino-acid change (arginine 1470 retained).
Molecular consequence: synonymous variant.
Genome position (GRCh38, 1-based): chr1:181,758,027, C>T. VCF-style: chr1-181758027-C-T. GRCh37 (hg19) VCF-style: chr1-181727163-C-T.
Other names: c.4410C>T, p.Arg1470= (NM_000721.4); c.4353C>T, p.Arg1451= (NM_001205294.2); c.4410C>T (NM_000721.3).
Identifiers: ClinVar variation 1404009 (VCV001404009.7), dbSNP rs543492567, ClinGen allele CA33830116.
Genomic context (GRCh38, chr1:181,758,027, plus strand): 5'-CATCAGCGCCAAACCTCTCACCCGCTACATGCCGCAGAACAGACACACCTTCCAGTACCG[C>T]GTGTGGCACTTTGTGGTGTCTCCGTCCTTTGAGTACACCATTATGGCCATGATCGCCTTG-3'
Protein context (NP_001192222.1, residues 1460-1480): MPQNRHTFQY[Arg1470=]VWHFVVSPSF